The following is an entry in ClinVar:

NM_173660.5(DOK7):c.1378dup (p.Gln460fs)

Gene: DOK7 (docking protein 7; plus strand). Cytogenetic location: 4p16.3.
Variant type: Duplication.
Coding change: c.1378dup on transcript NM_173660.5 (MANE Select); coding-DNA position 1378, one base duplicated (C; older notation c.1378dupC).
Protein change: p.Gln460fs; shifts the reading frame from glutamine 460.
Molecular consequence: frameshift variant. On other transcripts: 3 prime UTR variant (1).
Genome position (GRCh38, 1-based): chr4:3,493,364, C duplicated; the last of 6 consecutive C bases (chr4:3,493,359-3,493,364); duplicating any one gives the same sequence. VCF-style (leftmost placement, unchanged base first): chr4-3493358-G-GC. GRCh37 (hg19) VCF-style: chr4-3495085-G-GC.
Other names: p.Gln460Profs*59; c.1378dupC (NM_173660.4, NM_173660.5); c.*599dup (NM_001164673.2); c.448dup, p.Gln150fs (NM_001256896.2); c.1378dup, p.Gln460fs (NM_001301071.2); c.946dup, p.Gln316fs (NM_001363811.2); short protein forms Q150fs, Q316fs, Q460fs.
Identifiers: ClinVar variation 1282 (VCV000001282.79), dbSNP rs606231133, ClinGen allele CA251742.
Genomic context (GRCh38, chr4:3,493,358, plus strand): 5'-ACGTCCGCCGGGTGTCCCTCTGGCTGGCTGGGCACGAGACGGCGGGGCCTGGTGATGGAG[G>GC]CCCCCCAGGGCAGCGAGGCCACACTGCCTGGCCCTGCCCCTGGCGAGCCCTGGGAAGCAG-3'

ClinVar aggregate classification (germline): Pathogenic/Likely pathogenic. Review status: criteria provided, multiple submitters, no conflicts (2 of 4 stars). 12 submissions from 12 submitters: Pathogenic (8); Likely pathogenic (3). 1 of the submissions does not count toward it. Last evaluated 2025-12-17.

Conditions:
DOK7-related disorders.
Fetal akinesia deformation sequence 3. Identifiers: MedGen C4760599, MONDO:0100103, OMIM 618389.
Congenital myasthenic syndrome 10. Also called: Myasthenia, limb-girdle, familial. Identifiers: Orphanet 590, MedGen C1850792, MONDO:0009690, OMIM 254300.
Fetal akinesia deformation sequence 1 (FADS1). Also called: Pena-Shokeir syndrome type I; Fetal akinesia sequence. Identifiers: Orphanet 994, MedGen C1276035, MONDO:0100101, OMIM 208150, HP:0001989.
Congenital myasthenic syndrome (CMS). Also called: Congenital Myasthenic Syndromes. Identifiers: Orphanet 590, MedGen C0751882, MeSH D020294, MONDO:0018940.

Submissions (12):

Labcorp Genetics (formerly Invitae), Labcorp
Classification: Pathogenic for Congenital myasthenic syndrome 10; Fetal akinesia deformation sequence 1. Last evaluated: 2025-12-17. Review status: criteria provided, single submitter. Criteria: Invitae Variant Classification Sherloc (09022015). Collection method: clinical testing. Allele origin: germline.
Comment: This sequence change is expected to alter the c-terminus of the DOK7 protein (p.Gln460Profs*59). While this is not anticipated to result in nonsense mediated decay, it is expected to disrupt the last 45 amino acid(s) of the DOK7 protein and extend the protein by 13 additional amino acid residues. This variant is present in population databases (rs747302811, gnomAD 0.03%). This frameshift has been observed in individuals with congenital myasthenic syndrome (PMID: 16917026, 18626973). ClinVar contains an entry for this variant (Variation ID: 1282). Algorithms developed to predict the effect of variants on gene product structure and function are not available or were not evaluated for this variant. Experimental studies have shown that this frameshift affects DOK7 function (PMID: 18626973). This variant results in an extension of the DOK7 protein. Other variant(s) that result in a similarly extended protein product (p.Pro504Serfs*15) have been observed in individuals with DOK7-related disease (PMID: 16917026). This suggests that these extensions may be clinically significant. For these reasons, this variant has been classified as Pathogenic.

Women's Health and Genetics/Laboratory Corporation of America, LabCorp
Classification: Pathogenic for Congenital myasthenic syndrome. Last evaluated: 2025-06-16. Review status: criteria provided, single submitter. Criteria: LabCorp Variant Classification Summary - May 2015. Collection method: clinical testing. Allele origin: germline.
Comment: Variant summary: DOK7 c.1378dupC (p.Gln460ProfsX59) causes a frameshift which results in an extension of the protein. The variant allele was found at a frequency of 5.3e-05 in 208604 control chromosomes (gnomAD). This frequency is not significantly higher than estimated for a pathogenic variant in DOK7 causing Congenital Myasthenic Syndrome (5.3e-05 vs 0.0014), allowing no conclusion about variant significance. c.1378dupC has been observed in individuals affected with Congenital Myasthenic Syndrome (example: Smeets_2024, Muller_2007). These data indicate that the variant is very likely to be associated with disease. The following publications have been ascertained in the context of this evaluation (PMID: 38964204, 17439981). ClinVar contains an entry for this variant (Variation ID: 1282). Based on the evidence outlined above, the variant was classified as pathogenic.

Centre of Medical Genetics, University Hospital Muenster
Classification: Pathogenic. Last evaluated: 2024-09-05. Review status: criteria provided, single submitter. Criteria: ACMG Guidelines, 2015. Collection method: clinical testing. Allele origin: unknown. Affected: yes. Observed: 1 variant allele, 1 heterozygote.
Comment: ACMG categories: PVS1_mod,PS3,PS4,PM2_sup

Mayo Clinic Laboratories, Mayo Clinic
Classification: Pathogenic. Last evaluated: 2024-08-13. Review status: criteria provided, single submitter. Criteria: ACMG Guidelines, 2015. Collection method: clinical testing. Allele origin: germline. Observed: 1 variant allele.
Comment: PM2, PM3_strong, PS4_moderate, PVS1_strong

Blueprint Genetics
Classification: Pathogenic for DOK7-related disorders. Last evaluated: 2024-07-23. Review status: criteria provided, single submitter. Criteria: ACMG Guidelines, 2015. Collection method: clinical testing. Allele origin: germline. Affected: yes. Observed: 5 variant alleles.

Baylor Genetics
Classification: Pathogenic for Fetal akinesia deformation sequence 3. Last evaluated: 2024-03-18. Review status: criteria provided, single submitter. Criteria: ACMG Guidelines, 2015. Collection method: clinical testing. Allele origin: unknown.

GeneDx
Classification: Likely pathogenic. Last evaluated: 2024-03-07. Review status: criteria provided, single submitter. Criteria: GeneDx Variant Classification Process June 2021. Collection method: clinical testing. Allele origin: germline. Affected: yes.
Comment: Frameshift variant predicted to result in protein elongation, as the last 45 amino acids are replaced with 58 different amino acids, and other loss-of-function variants have been reported downstream in HGMD; This variant is associated with the following publications: (PMID: 32360404, Jadhav2019[casereport], 34418069, 33820833, 36308527, 28508085, 16917026, 18626973)

CeGaT Center for Human Genetics Tuebingen
Classification: Pathogenic. Last evaluated: 2023-01-01. Review status: criteria provided, single submitter. Criteria: CeGaT Center For Human Genetics Tuebingen Variant Classification Criteria Version 2. Collection method: clinical testing. Allele origin: germline. Affected: yes. Observed: 3 variant alleles.
Comment: DOK7: PP1:Strong, PM2, PVS1:Moderate, PP4, PS3:Supporting

Department of Medical Genetics, Sanjay Gandhi Post Graduate Institute of Medical Sciences
Classification: Likely pathogenic for Fetal akinesia deformation sequence 3. Last evaluated: 2022-12-12. Review status: criteria provided, single submitter. Criteria: ACMG Guidelines, 2015. Collection method: research. Allele origin: germline. Inheritance: Autosomal recessive inheritance. Affected: yes. Observed: 1 compound heterozygote.

Institute for Medical Genetics and Human Genetics, Charité - Universitätsmedizin Berlin
Classification: Likely pathogenic for Congenital myasthenic syndrome 10. Last evaluated: 2022-09-27. Review status: criteria provided, single submitter. Criteria: ACMG Guidelines, 2015. Collection method: clinical testing. Allele origin: germline. Inheritance: Autosomal recessive inheritance. Affected: yes. Observed: 1 compound heterozygote.

Revvity Omics, Revvity
Classification: Pathogenic. Last evaluated: 2021-12-27. Review status: criteria provided, single submitter. Criteria: ACMG Guidelines, 2015. Collection method: clinical testing. Allele origin: germline.

OMIM
Classification: Pathogenic for MYASTHENIC SYNDROME, CONGENITAL, 10. Last evaluated: 2008-07-01. Review status: no assertion criteria provided. Collection method: literature only. Allele origin: germline. Not counted in ClinVar's aggregate classification.

Literature cited by the submitters: PubMed 16917026 (cited by Labcorp Genetics (formerly Invitae), Labcorp and Mayo Clinic Laboratories, Mayo Clinic); PubMed 18626973 (cited by Labcorp Genetics (formerly Invitae), Labcorp and OMIM); PubMed 17439981 (cited by Women's Health and Genetics/Laboratory Corporation of America, LabCorp and Mayo Clinic Laboratories, Mayo Clinic); PubMed 38964204 (cited by Women's Health and Genetics/Laboratory Corporation of America, LabCorp); PubMed 32360404 (cited by Mayo Clinic Laboratories, Mayo Clinic); PubMed 33820833 (cited by Mayo Clinic Laboratories, Mayo Clinic); PubMed 34418069 (cited by Mayo Clinic Laboratories, Mayo Clinic); PubMed 37849383 (cited by Mayo Clinic Laboratories, Mayo Clinic); PubMed 38725677 (cited by Mayo Clinic Laboratories, Mayo Clinic).